The following is an entry in ClinVar:

ClinVar aggregate classification (germline): Pathogenic (1 of 4 stars; one submission).

Conditions:
Emery-Dreifuss muscular dystrophy 1, X-linked (EDMD1). Also called: Muscular dystrophy, tardive, Dreifuss-Emery type, with contractures; SCAPULOPERONEAL SYNDROME, X-LINKED; HUMEROPERONEAL NEUROMUSCULAR DISEASE; EMD-Related Emery-Dreifuss Muscular Dystrophy, X-Linked. Identifiers: MedGen CN375556, MONDO:0100531, OMIM 310300.

Submission:

Neuberg Centre For Genomic Medicine, NCGM
Classification: Pathogenic for Emery-Dreifuss muscular dystrophy 1, X-linked. Review status: criteria provided, single submitter. Criteria: ACMG Guidelines, 2015. Collection method: clinical testing. Allele origin: germline. Inheritance: X-linked recessive inheritance. Affected: yes.
Comment: The stop-gained variant c.512C>Gp.Ser171Ter in the EMD gene has been reported as a recurrent variant in patients affected with Emery-Dreifuss muscular dystrophy Brown et al., 2011. The variant is novel not in any individuals in gnomAD Exomes and 1000 Genomes. This variant is predicted to cause a loss of normal protein function through protein truncation. Loss of function variants has been previously reported to be disease causing. For these reasons, this variant has been classified as Pathogenic.

NM_000117.3(EMD):c.512C>G (p.Ser171Ter)

Gene: EMD (emerin; plus strand). Cytogenetic location: Xq28.
Variant type: single nucleotide variant.
Coding change: c.512C>G on transcript NM_000117.3 (MANE Select); coding-DNA position 512, C replaced by G.
Protein change: p.Ser171Ter; replaces serine 171 with a stop codon.
Molecular consequence: nonsense.
Genome position (GRCh38, 1-based): chrX:154,380,944, C>G. VCF-style: chrX-154380944-C-G. GRCh37 (hg19) VCF-style: chrX-153609304-C-G.
Other names: short protein forms S171*.
Identifiers: ClinVar variation 3234967 (VCV003234967.1), dbSNP rs886044901, ClinGen allele CA415258646.